The following is an entry in ClinVar:

NM_001079872.2(CUL4B):c.660A>G (p.Glu220=)

Gene: CUL4B (cullin 4B; minus strand). Cytogenetic location: Xq24.
Variant type: single nucleotide variant.
Coding change: c.660A>G on transcript NM_001079872.2 (MANE Select); coding-DNA position 660, A replaced by G.
Protein change: p.Glu220=; no amino-acid change (glutamic acid 220 retained).
Molecular consequence: synonymous variant.
Genome position (GRCh38, 1-based): chrX:120,557,936, T>C on the plus strand (A>G on the coding strand, the complement: CUL4B is on the minus strand). VCF-style: chrX-120557936-T-C. GRCh37 (hg19) VCF-style: chrX-119691791-T-C.
Other names: c.675A>G, p.Glu225= (NM_001330624.2); c.126A>G, p.Glu42= (NM_001369145.1); c.714A>G, p.Glu238= (NM_003588.4).
Identifiers: ClinVar variation 4989567 (VCV004989567.1).
Genomic context (GRCh38, chrX:120,557,936, plus strand): 5'-CACCTCAATTTATGTTAATCAAATCTGGTTATGCATATTAATACATACCTGGTAGAGTTC[T>C]TCTAAATTGTACTTAATTGAAGTACTATTCTGAATAGCTTCCACTGCTTCTTTCAGTTTT-3'
Protein context (NP_001073341.1, residues 210-230): QNSTSIKYNL[Glu220=]ELYQAVENLC

ClinVar aggregate classification (germline): Likely benign (1 of 4 stars; one submission).

Conditions:
CUL4B-related disorder. Also called: CUL4B-related condition.

Submission:

PreventionGenetics, part of Exact Sciences
Classification: Likely benign for CUL4B-related condition. Last evaluated: 2026-06-10. Review status: criteria provided, single submitter. Criteria: ACMG Guidelines, 2015. Collection method: clinical testing. Allele origin: germline.
Comment: This variant is classified as likely benign based on ACMG/AMP sequence variant interpretation guidelines (Richards et al. 2015 PMID: 25741868, with internal and published modifications).